The following is an entry in ClinVar:

NM_000214.3(JAG1):c.2672C>T (p.Ala891Val)

Gene: JAG1 (jagged canonical Notch ligand 1; minus strand). Cytogenetic location: 20p12.2.
Variant type: single nucleotide variant.
Coding change: c.2672C>T on transcript NM_000214.3 (MANE Select); coding-DNA position 2672, C replaced by T.
Protein change: p.Ala891Val; replaces alanine 891 with valine.
Molecular consequence: missense variant.
Genome position (GRCh38, 1-based): chr20:10,641,793, G>A on the plus strand (C>T on the coding strand, the complement: JAG1 is on the minus strand). VCF-style: chr20-10641793-G-A. GRCh37 (hg19) VCF-style: chr20-10622441-G-A.
Other names: c.2672C>T (NM_000214.2); short protein forms A891V.
Identifiers: ClinVar variation 2804433 (VCV002804433.5), dbSNP rs2067274084, ClinGen allele CA408245232.

ClinVar aggregate classification (germline): Uncertain significance. Review status: criteria provided, multiple submitters, no conflicts (2 of 4 stars). 2 submissions from 2 submitters: Uncertain significance (2). Last evaluated 2026-02-19.

Conditions:
Cardiovascular phenotype. Identifiers: MedGen CN230736.
Alagille syndrome due to a JAG1 point mutation. Also called: HEPATIC DUCTULAR HYPOPLASIA, SYNDROMATIC; Alagille Syndrome 1; JAG1-Related Alagille Syndrome. Identifiers: Orphanet 261619, Orphanet 52, MedGen C1956125, MONDO:0016862, OMIM 118450.

Allele frequency attached by ClinVar (database versions not stated): gnomAD 0.00001.
gnomAD v4.1: 13 of 1,613,562 alleles (0.00081%); highest among the groups gnomAD compares: Admixed American, 0.022%; no homozygotes.

Submissions (2):

Ambry Genetics
Classification: Uncertain significance for Cardiovascular phenotype. Last evaluated: 2026-02-19. Review status: criteria provided, single submitter. Criteria: Ambry Variant Classification Scheme 2023. Collection method: clinical testing. Allele origin: germline.
Comment: The p.A891V variant (also known as c.2672C>T), located in coding exon 22 of the JAG1 gene, results from a C to T substitution at nucleotide position 2672. The alanine at codon 891 is replaced by valine, an amino acid with similar properties. This amino acid position is conserved. In addition, this alteration is predicted to be tolerated by in silico analysis. Based on the available evidence, the clinical significance of this variant remains unclear.

Labcorp Genetics (formerly Invitae), Labcorp
Classification: Uncertain significance for Alagille syndrome due to a JAG1 point mutation. Last evaluated: 2025-05-07. Review status: criteria provided, single submitter. Criteria: Invitae Variant Classification Sherloc (09022015). Collection method: clinical testing. Allele origin: germline.
Comment: This sequence change replaces alanine, which is neutral and non-polar, with valine, which is neutral and non-polar, at codon 891 of the JAG1 protein (p.Ala891Val). This variant is not present in population databases (gnomAD no frequency). This variant has not been reported in the literature in individuals affected with JAG1-related conditions. ClinVar contains an entry for this variant (Variation ID: 2804433). Invitae Evidence Modeling of protein sequence and biophysical properties (such as structural, functional, and spatial information, amino acid conservation, physicochemical variation, residue mobility, and thermodynamic stability) indicates that this missense variant is not expected to disrupt JAG1 protein function with a negative predictive value of 95%. In summary, the available evidence is currently insufficient to determine the role of this variant in disease. Therefore, it has been classified as a Variant of Uncertain Significance.